The following is an entry in ClinVar:

ClinVar aggregate classification (germline): Uncertain significance. Review status: criteria provided, multiple submitters, no conflicts (2 of 4 stars). 2 submissions from 2 submitters: Uncertain significance (2). Last evaluated 2024-04-24.

Conditions:
Norman-Roberts syndrome (LIS2). Also called: Lissencephaly 2 (Norman-Roberts type). Identifiers: Orphanet 89844, MedGen C0796089, MONDO:0009760, OMIM 257320.
Familial temporal lobe epilepsy 7. Identifiers: Orphanet 101046, MedGen C4225327, MONDO:0014639, OMIM 616436.

Allele frequency attached by ClinVar (database versions not stated): gnomAD exomes below 0.00001; gnomAD 0.00001; TOPMed 0.00001.
gnomAD v4.1: 3 of 1,613,910 alleles (0.00019%); highest among the groups gnomAD compares: Non-Finnish European, 0.00025%; no homozygotes.

Submissions (2):

Labcorp Genetics (formerly Invitae), Labcorp
Classification: Uncertain significance for Familial temporal lobe epilepsy 7; Norman-Roberts syndrome. Last evaluated: 2024-04-24. Review status: criteria provided, single submitter. Criteria: Invitae Variant Classification Sherloc (09022015). Collection method: clinical testing. Allele origin: germline.
Comment: This sequence change replaces glutamic acid, which is acidic and polar, with lysine, which is basic and polar, at codon 397 of the RELN protein (p.Glu397Lys). This variant is not present in population databases (gnomAD no frequency). This variant has not been reported in the literature in individuals affected with RELN-related conditions. ClinVar contains an entry for this variant (Variation ID: 449166). Advanced modeling of protein sequence and biophysical properties (such as structural, functional, and spatial information, amino acid conservation, physicochemical variation, residue mobility, and thermodynamic stability) performed at Invitae indicates that this missense variant is not expected to disrupt RELN protein function with a negative predictive value of 80%. In summary, the available evidence is currently insufficient to determine the role of this variant in disease. Therefore, it has been classified as a Variant of Uncertain Significance.

GeneDx
Classification: Uncertain significance. Last evaluated: 2018-08-03. Review status: criteria provided, single submitter. Criteria: GeneDx Variant Classification (06012015). Collection method: clinical testing. Allele origin: germline. Affected: yes.
Comment: The E397K variant in the RELN gene has not been reported previously as a pathogenic variant, nor as a benign variant, to our knowledge. This variant is not observed in large population cohorts (Lek et al., 2016). The E397K variant is a non-conservative amino acid substitution, which is likely to impact secondary protein structure as these residues differ in polarity, charge, size and/or other properties. However, in-silico analyses, including protein predictors and evolutionary conservation, support that this variant does not alter protein structure/function. We interpret E397K as a variant of uncertain significance.

NM_005045.4(RELN):c.1189G>A (p.Glu397Lys)

Gene: RELN (reelin; minus strand). Cytogenetic location: 7q22.1.
Variant type: single nucleotide variant.
Coding change: c.1189G>A on transcript NM_005045.4 (MANE Select); coding-DNA position 1189, G replaced by A.
Protein change: p.Glu397Lys; replaces glutamic acid 397 with lysine.
Molecular consequence: missense variant.
Genome position (GRCh38, 1-based): chr7:103,682,216, C>T on the plus strand (G>A on the coding strand, the complement: RELN is on the minus strand). VCF-style: chr7-103682216-C-T. GRCh37 (hg19) VCF-style: chr7-103322663-C-T.
Other names: c.1189G>A, p.Glu397Lys (NM_173054.3); short protein forms E397K.
Identifiers: ClinVar variation 449166 (VCV000449166.9), dbSNP rs1554402135, ClinGen allele CA368926587.